The following is an entry in ClinVar:

NM_001297595.2(SIN3B):c.608G>C (p.Arg203Pro)

Gene: SIN3B (SIN3 transcription regulator family member B; plus strand). Cytogenetic location: 19p13.11.
Variant type: single nucleotide variant.
Coding change: c.608G>C on transcript NM_001297595.2 (MANE Select); coding-DNA position 608, G replaced by C.
Protein change: p.Arg203Pro; replaces arginine 203 with proline.
Molecular consequence: missense variant.
Genome position (GRCh38, 1-based): chr19:16,846,995, G>C. VCF-style: chr19-16846995-G-C. GRCh37 (hg19) VCF-style: chr19-16957806-G-C.
Other names: c.608G>C, p.Arg203Pro (NM_015260.4); short protein forms R203P.
Identifiers: ClinVar variation 4538867 (VCV004538867.1).
Genomic context (GRCh38, chr19:16,846,995, plus strand): 5'-TAACGACTTATTTTCCCTTTCCTGAAAACTGGCAGAAGGAGCAGCTGAACACGAGGGGCC[G>C]GCCATTCCGAGGCATGTCTGAAGAGGAGGTGTTCACCGAGGTGGCCAACCTCTTCCGGGG-3'
Protein context (NP_001284524.1, residues 193-213): YQKEQLNTRG[Arg203Pro]PFRGMSEEEV

ClinVar aggregate classification (germline): Uncertain significance (1 of 4 stars; one submission).

Submission:

GeneDx
Classification: Uncertain significance. Last evaluated: 2025-06-17. Review status: criteria provided, single submitter. Criteria: GeneDx Variant Classification Process June 2021. Collection method: clinical testing. Allele origin: germline. Affected: yes.
Comment: Not observed at significant frequency in large population cohorts (gnomAD); In silico analysis suggests that this missense variant does not alter protein structure/function; Has not been previously published as pathogenic or benign to our knowledge